The following is an entry in ClinVar:

ClinVar aggregate classification (germline): Benign/Likely benign. Review status: criteria provided, multiple submitters, no conflicts (2 of 4 stars). 4 submissions from 4 submitters: Benign (1); Likely benign (3). Last evaluated 2026-02-02.

Conditions:
BARD1-related cancer predisposition. Identifiers: MedGen CN377756, MONDO:0700267.
Hereditary cancer-predisposing syndrome. Also called: Hereditary Cancer Syndrome; Hereditary neoplastic syndrome; Tumor predisposition; Neoplastic Syndromes, Hereditary. Identifiers: Orphanet 140162, MedGen C0027672, MeSH D009386, MONDO:0015356.
Familial cancer of breast. Also called: BREAST CANCER, FAMILIAL; Hereditary breast cancer; hereditary breast carcinoma. Identifiers: Orphanet 227535, MedGen C0346153, MONDO:0016419, OMIM 114480. Disease mechanism: loss of function.

Submissions (4):

Labcorp Genetics (formerly Invitae), Labcorp
Classification: Likely benign for Familial cancer of breast. Last evaluated: 2026-02-02. Review status: criteria provided, single submitter. Criteria: Invitae Variant Classification Sherloc (09022015). Collection method: clinical testing. Allele origin: germline.

Myriad Genetics, Inc.
Classification: Benign for Familial cancer of breast. Last evaluated: 2024-07-30. Review status: criteria provided, single submitter. Criteria: Myriad Autosomal Dominant, Autosomal Recessive and X-Linked Classification Criteria (2023). Collection method: clinical testing. Allele origin: unknown.
Comment: This variant is considered benign. This variant is a silent/synonymous amino acid change and it is not expected to impact splicing.

Department of Pathology and Laboratory Medicine, Sinai Health System
Classification: Likely benign for BARD1-related cancer predisposition. Last evaluated: 2022-10-11. Review status: criteria provided, single submitter. Criteria: ACMG Guidelines, 2015. Collection method: clinical testing. Allele origin: germline. Affected: yes.

Ambry Genetics
Classification: Likely benign for Hereditary cancer-predisposing syndrome. Last evaluated: 2021-09-18. Review status: criteria provided, single submitter. Criteria: Ambry Variant Classification Scheme 2023. Collection method: clinical testing. Allele origin: germline.

NM_000465.4(BARD1):c.2322T>C (p.Pro774=)

Gene: BARD1 (BRCA1 associated RING domain 1; minus strand). Cytogenetic location: 2q35.
Variant type: single nucleotide variant.
Coding change: c.2322T>C on transcript NM_000465.4 (MANE Select); coding-DNA position 2322, T replaced by C.
Protein change: p.Pro774=; no amino-acid change (proline 774 retained).
Molecular consequence: synonymous variant. On other transcripts: non-coding transcript variant (3).
Genome position (GRCh38, 1-based): chr2:214,728,688, A>G on the plus strand (T>C on the coding strand, the complement: BARD1 is on the minus strand). VCF-style: chr2-214728688-A-G. GRCh37 (hg19) VCF-style: chr2-215593412-A-G.
Other names: c.2265T>C, p.Pro755= (NM_001282543.2); c.969T>C, p.Pro323= (NM_001282545.2); c.912T>C, p.Pro304= (NM_001282548.2); c.783T>C, p.Pro261= (NM_001282549.2).
Identifiers: ClinVar variation 1789600 (VCV001789600.7), dbSNP rs2469266845, ClinGen allele CA431392376.